The following is an entry in ClinVar:

ClinVar aggregate classification (germline): Uncertain significance (1 of 4 stars; one submission).

Submission:

GeneDx
Classification: Uncertain significance. Last evaluated: 2017-09-07. Review status: criteria provided, single submitter. Criteria: GeneDx Variant Classification (06012015). Collection method: clinical testing. Allele origin: germline. Affected: yes.
Comment: The c.13756dupA variant in the ABCA13 gene has not been reported previously as a pathogenic variant nor as a benign variant, to our knowledge. This variant causes a frameshift starting with codon Threonine 4586, changes this amino acid to an Asparagine residue, and creates a premature Stop codon at position 14 of the new reading frame, denoted p.Thr4586AsnfsX14. This variant is predicted to cause loss of normal protein function either through protein truncation or nonsense-mediated mRNA decay. The c.13756dupA variant is not observed at a significant frequency in large population cohorts (Lek et al., 2016; 1000 Genomes Consortium et al., 2015; Exome Variant Server). We interpret c.13756dupA as a variant of uncertain significance.

NM_152701.5(ABCA13):c.13756dup (p.Thr4586fs)

Gene: ABCA13 (ATP binding cassette subfamily A member 13; plus strand). Cytogenetic location: 7p12.3.
Variant type: Duplication.
Coding change: c.13756dup on transcript NM_152701.5 (MANE Select); coding-DNA position 13756, one base duplicated (A; older notation c.13756dupA).
Protein change: p.Thr4586fs; shifts the reading frame from threonine 4586.
Molecular consequence: frameshift variant.
Genome position (GRCh38, 1-based): chr7:48,516,840, A duplicated; the last of 2 consecutive A bases (chr7:48,516,839-48,516,840); duplicating either gives the same sequence. VCF-style (leftmost placement, unchanged base first): chr7-48516838-T-TA. GRCh37 (hg19) VCF-style: chr7-48556434-T-TA.
Other names: short protein forms T4586fs.
Identifiers: ClinVar variation 451616 (VCV000451616.2), dbSNP rs779650264, ClinGen allele CA4259457.
Genomic context (GRCh38, chr7:48,516,838, plus strand): 5'-ACGTGGCTTTCATTTCCTATGTCTCACTAAACTTCATCTTTGGCCTTTGTACCATGCTCA[T>TA]AACCATTATGCCCCGGTTGCTAGCCATCATCTCCAAAGCTAAGGTCAGTAGCTTTGTAGC-3'